The following is an entry in ClinVar:

NM_014861.4(ATP2C2):c.1684G>A (p.Glu562Lys)

Gene: ATP2C2 (ATPase secretory pathway Ca2+ transporting 2; plus strand). Cytogenetic location: 16q24.1.
Variant type: single nucleotide variant.
Coding change: c.1684G>A on transcript NM_014861.4 (MANE Select); coding-DNA position 1684, G replaced by A.
Protein change: p.Glu562Lys; replaces glutamic acid 562 with lysine.
Molecular consequence: missense variant.
Genome position (GRCh38, 1-based): chr16:84,451,944, G>A. VCF-style: chr16-84451944-G-A. GRCh37 (hg19) VCF-style: chr16-84485550-G-A.
Other names: c.1684G>A, p.Glu562Lys (NM_001286527.3); c.1231G>A, p.Glu411Lys (NM_001291454.2); c.1684G>A (NM_014861.2); short protein forms E562K, E411K.
Identifiers: ClinVar variation 715810 (VCV000715810.28), dbSNP rs200318788, ClinGen allele CA8207554.

ClinVar aggregate classification (germline): Conflicting classifications of pathogenicity. Review status: criteria provided, conflicting classifications (1 of 4 stars). 3 submissions from 3 submitters: Uncertain significance (1); Benign (1); Likely benign (1). Last evaluated 2025-08-06.

Allele frequency attached by ClinVar (database versions not stated): 1000 Genomes Project 0.00060; 1000 Genomes Project 30x 0.00078; ExAC 0.00080; ESP Exome Variant Server 0.00083; gnomAD exomes 0.00085 and 0.00111; TOPMed 0.00093; gnomAD 0.00106 and 0.00109.
gnomAD v4.1: 1,776 of 1,613,978 alleles (0.11%); highest among the groups gnomAD compares: Non-Finnish European, 0.12%; 2 homozygotes.

Submissions (3):

Ambry Genetics
Classification: Uncertain significance. Last evaluated: 2025-08-06. Review status: criteria provided, single submitter. Criteria: Ambry Variant Classification Scheme 2023. Collection method: clinical testing. Allele origin: germline.

CeGaT Center for Human Genetics Tuebingen
Classification: Benign. Last evaluated: 2022-03-01. Review status: criteria provided, single submitter. Criteria: CeGaT Center For Human Genetics Tuebingen Variant Classification Criteria Version 2. Collection method: clinical testing. Allele origin: germline. Affected: yes. Observed: 1 variant allele.
Comment: ATP2C2: BS1, BS2

Labcorp Genetics (formerly Invitae), Labcorp
Classification: Likely benign. Last evaluated: 2018-02-09. Review status: criteria provided, single submitter. Criteria: Invitae Variant Classification Sherloc (09022015). Collection method: clinical testing. Allele origin: germline.